The following is an entry in ClinVar:

ClinVar aggregate classification (germline): Uncertain significance. Review status: criteria provided, multiple submitters, no conflicts (2 of 4 stars). 3 submissions from 3 submitters: Uncertain significance (3). Last evaluated 2024-12-28.

Conditions:
Fanconi anemia (FA). Also called: Fanconi's anemia. Identifiers: Orphanet 84, MedGen C0015625, MeSH D005199, MONDO:0019391.
Spermatogenic failure 28. Identifiers: MedGen C4748117, MONDO:0054732, OMIM 618086.
Premature ovarian failure 15. Identifiers: MedGen C4748170, MONDO:0054862, OMIM 618096.

Allele frequency attached by ClinVar (database versions not stated): ExAC 0.00001; gnomAD exomes 0.00001; TOPMed 0.00001.
gnomAD v4.1: 5 of 1,601,970 alleles (0.00031%); highest among the groups gnomAD compares: Admixed American, 0.0034%; no homozygotes.

Submissions (3):

Quest Diagnostics Nichols Institute San Juan Capistrano
Classification: Uncertain significance. Last evaluated: 2024-12-28. Review status: criteria provided, single submitter. Criteria: Quest Diagnostics criteria. Collection method: clinical testing. Allele origin: unknown.
Comment: The FANCM c.3763C>A (p.Pro1255Thr) variant has been reported in the published literature in a family affected with breast/ovarian cancer (PMID: 30306255 (2018)). The frequency of this variant in the general population (Genome Aggregation Database) is uninformative in the assessment of its pathogenicity. Analysis of this variant using bioinformatics tools for the prediction of the effect of amino acid changes on protein structure and function yielded predictions that this variant is benign. Based on the available information, we are unable to determine the clinical significance of this variant.

Labcorp Genetics (formerly Invitae), Labcorp
Classification: Uncertain significance for Fanconi anemia. Last evaluated: 2024-05-07. Review status: criteria provided, single submitter. Criteria: Invitae Variant Classification Sherloc (09022015). Collection method: clinical testing. Allele origin: germline.
Comment: This sequence change replaces proline, which is neutral and non-polar, with threonine, which is neutral and polar, at codon 1255 of the FANCM protein (p.Pro1255Thr). This variant is present in population databases (rs770651053, gnomAD 0.003%). This variant has not been reported in the literature in individuals affected with FANCM-related conditions. ClinVar contains an entry for this variant (Variation ID: 840096). Algorithms developed to predict the effect of missense changes on protein structure and function output the following: SIFT: "Not Available"; PolyPhen-2: "Benign"; Align-GVGD: "Not Available". The threonine amino acid residue is found in multiple mammalian species, which suggests that this missense change does not adversely affect protein function. In summary, the available evidence is currently insufficient to determine the role of this variant in disease. Therefore, it has been classified as a Variant of Uncertain Significance.

Fulgent Genetics
Classification: Uncertain significance for Spermatogenic failure 28; Premature ovarian failure 15. Last evaluated: 2024-04-30. Review status: criteria provided, single submitter. Criteria: ACMG Guidelines, 2015. Collection method: clinical testing. Allele origin: germline.

Literature cited by the submitters: PubMed 30306255 (cited by Quest Diagnostics Nichols Institute San Juan Capistrano).

NM_020937.4(FANCM):c.3763C>A (p.Pro1255Thr)

Gene: FANCM (FA complementation group M; plus strand). Cytogenetic location: 14q21.2.
Variant type: single nucleotide variant.
Coding change: c.3763C>A on transcript NM_020937.4 (MANE Select); coding-DNA position 3763, C replaced by A.
Protein change: p.Pro1255Thr; replaces proline 1255 with threonine.
Molecular consequence: missense variant.
Genome position (GRCh38, 1-based): chr14:45,176,517, C>A. VCF-style: chr14-45176517-C-A. GRCh37 (hg19) VCF-style: chr14-45645720-C-A.
Other names: c.3685C>A, p.Pro1229Thr (NM_001308133.2); c.3763C>A (NM_020937.3); short protein forms P1229T, P1255T.
Identifiers: ClinVar variation 840096 (VCV000840096.9), dbSNP rs770651053, ClinGen allele CA7169569.